The following is an entry in ClinVar:

ClinVar aggregate classification (germline): Likely pathogenic (1 of 4 stars; one submission).

Conditions:
Epidermolysis bullosa simplex 3, localized or generalized intermediate, with BP230 deficiency (EBS3). Also called: Epidermolysis bullosa simplex, autosomal recessive 2; Epidermolysis bullosa simplex due to BP230 deficiency. Identifiers: Orphanet 412181, MedGen C3809470, MONDO:0014180, OMIM 615425.
Hereditary sensory and autonomic neuropathy type 6. Also called: HSAN VI; Neuropathy, hereditary sensory and autonomic, type VI. Identifiers: Orphanet 314381, MedGen C3539003, MONDO:0013839, OMIM 614653.

Submission:

Labcorp Genetics (formerly Invitae), Labcorp
Classification: Likely pathogenic for Epidermolysis bullosa simplex 3, localized or generalized intermediate, with BP230 deficiency; Hereditary sensory and autonomic neuropathy type 6. Last evaluated: 2020-10-27. Review status: criteria provided, single submitter. Criteria: Invitae Variant Classification Sherloc (09022015). Collection method: clinical testing. Allele origin: germline.
Comment: This sequence change affects a donor splice site in intron 66 of the DST gene. The DST gene has multiple clinically relevant transcripts. This variant occurs in alternate transcript NM_015548.4, and corresponds to NM_001723.5:c.*123291G>A in the primary transcript. It is expected to disrupt RNA splicing. Variants that disrupt the donor or acceptor splice site typically lead to a loss of protein function (PMID: 16199547), and loss-of-function variants in DST are known to be pathogenic (PMID: 22522446, 25059916, 30371979). This variant is not present in population databases (ExAC no frequency). This variant has not been reported in the literature in individuals with DST-related conditions. In summary, the currently available evidence indicates that the variant is pathogenic, but additional data are needed to prove that conclusively. Therefore, this variant has been classified as Likely Pathogenic.

Literature cited by the submitters: PubMed 16199547; PubMed 22522446; PubMed 25059916; PubMed 30371979.

NM_001374736.1(DST):c.20757+1G>A

Gene: DST (dystonin; minus strand). Cytogenetic location: 6p12.1.
Variant type: single nucleotide variant.
Coding change: c.20757+1G>A on transcript NM_001374736.1 (MANE Select); the canonical splice donor site of the intron after coding-DNA position 20757, G replaced by A.
Molecular consequence: splice donor variant.
Genome position (GRCh38, 1-based): chr6:56,492,226, C>T on the plus strand (G>A on the coding strand, the complement: DST is on the minus strand). VCF-style: chr6-56492226-C-T. GRCh37 (hg19) VCF-style: chr6-56357024-C-T.
Other names: c.14400+1G>A (NM_001144769.5); c.20757+1G>A (NM_001374722.1); c.20784+1G>A (NM_001374734.1); c.13986+1G>A (NM_001144770.2); c.13539+1G>A (NM_001374730.1); c.13866+1G>A (NM_001386100.1, NM_183380.4); c.19797+1G>A (NM_001374729.1); c.12888+1G>A (NM_015548.5).
Identifiers: ClinVar variation 1068243 (VCV001068243.7), dbSNP rs2152440123, ClinGen allele CA364515138.
Genomic context (GRCh38, chr6:56,492,226, plus strand): 5'-ATTTCAACAGCAAGAAGTGGTTTATTGACAAGTTCAGAGAATTTTTCTAAAGGGTTATTA[C>T]CTGCTTGGCTCTCTTCCTTGCATCATCCAAAGATCTTCCTCTCTCTACCAACCGTTGAAC-3'